The following is an entry in ClinVar:

ClinVar aggregate classification (germline): Benign/Likely benign. Review status: criteria provided, multiple submitters, no conflicts (2 of 4 stars). 3 submissions from 3 submitters: Benign (1); Likely benign (2). Last evaluated 2026-09-01.

Allele frequency attached by ClinVar (database versions not stated): gnomAD exomes 0.00005 and 0.00008; gnomAD 0.00006; TOPMed 0.00006.
gnomAD v4.1: 44 of 938,598 alleles (0.0047%); highest among the groups gnomAD compares: Admixed American, 0.028%; 1 homozygote.

Submissions (3):

CeGaT Center for Human Genetics Tuebingen
Classification: Likely benign. Last evaluated: 2026-09-01. Review status: criteria provided, single submitter. Criteria: CeGaT Center For Human Genetics Tuebingen Variant Classification Criteria Version 2. Collection method: clinical testing. Allele origin: germline. Affected: yes. Observed: 2 variant alleles.
Comment: KCNC3: BP4, BP7

Labcorp Genetics (formerly Invitae), Labcorp
Classification: Likely benign. Last evaluated: 2024-05-26. Review status: criteria provided, single submitter. Criteria: Invitae Variant Classification Sherloc (09022015). Collection method: clinical testing. Allele origin: germline.

Athena Diagnostics
Classification: Benign. Last evaluated: 2018-06-14. Review status: criteria provided, single submitter. Criteria: Athena Diagnostics Criteria. Collection method: clinical testing. Allele origin: germline.

NM_004977.3(KCNC3):c.1752G>A (p.Pro584=)

Gene: KCNC3 (potassium voltage-gated channel subfamily C member 3; minus strand). Cytogenetic location: 19q13.33.
Variant type: single nucleotide variant.
Coding change: c.1752G>A on transcript NM_004977.3 (MANE Select); coding-DNA position 1752, G replaced by A.
Protein change: p.Pro584=; no amino-acid change (proline 584 retained).
Molecular consequence: synonymous variant.
Genome position (GRCh38, 1-based): chr19:50,323,201, C>T on the plus strand (G>A on the coding strand, the complement: KCNC3 is on the minus strand). VCF-style: chr19-50323201-C-T. GRCh37 (hg19) VCF-style: chr19-50826458-C-T.
Other names: c.1524G>A, p.Pro508= (NM_001372305.1).
Identifiers: ClinVar variation 586082 (VCV000586082.8), dbSNP rs1001882554, ClinGen allele CA309572682.